The following is an entry in ClinVar:

NM_001134407.3(GRIN2A):c.4198T>C (p.Tyr1400His)

Gene: GRIN2A (glutamate ionotropic receptor NMDA type subunit 2A; minus strand). Cytogenetic location: 16p13.2.
Variant type: single nucleotide variant.
Coding change: c.4198T>C on transcript NM_001134407.3 (MANE Select); coding-DNA position 4198, T replaced by C.
Protein change: p.Tyr1400His; replaces tyrosine 1400 with histidine.
Molecular consequence: missense variant. On other transcripts: 3 prime UTR variant (1).
Genome position (GRCh38, 1-based): chr16:9,763,346, A>G on the plus strand (T>C on the coding strand, the complement: GRIN2A is on the minus strand). VCF-style: chr16-9763346-A-G. GRCh37 (hg19) VCF-style: chr16-9857203-A-G.
Other names: c.4198T>C, p.Tyr1400His (NM_000833.5); c.*9T>C (NM_001134408.2); short protein forms Y1400H.
Identifiers: ClinVar variation 2702838 (VCV002702838.3), dbSNP rs2141125622, ClinGen allele CA394705808.

ClinVar aggregate classification (germline): Uncertain significance (1 of 4 stars; one submission).

Conditions:
Landau-Kleffner syndrome (FESD). Also called: APHASIA, ACQUIRED, WITH EPILEPSY; EPILEPSY, FOCAL, WITH SPEECH DISORDER AND WITH OR WITHOUT MENTAL RETARDATION. Identifiers: Orphanet 1945, Orphanet 725, Orphanet 98818, MedGen C0282512, MONDO:0009509, OMIM 245570.

Submission:

Labcorp Genetics (formerly Invitae), Labcorp
Classification: Uncertain significance for Landau-Kleffner syndrome. Last evaluated: 2023-12-13. Review status: criteria provided, single submitter. Criteria: Invitae Variant Classification Sherloc (09022015). Collection method: clinical testing. Allele origin: germline.
Comment: This sequence change replaces tyrosine, which is neutral and polar, with histidine, which is basic and polar, at codon 1400 of the GRIN2A protein (p.Tyr1400His). This variant is not present in population databases (gnomAD no frequency). This variant has not been reported in the literature in individuals affected with GRIN2A-related conditions. Advanced modeling of protein sequence and biophysical properties (such as structural, functional, and spatial information, amino acid conservation, physicochemical variation, residue mobility, and thermodynamic stability) performed at Invitae indicates that this missense variant is not expected to disrupt GRIN2A protein function with a negative predictive value of 95%. In summary, the available evidence is currently insufficient to determine the role of this variant in disease. Therefore, it has been classified as a Variant of Uncertain Significance.